The following is an entry in ClinVar:

ClinVar aggregate classification (germline): Pathogenic (1 of 4 stars; one submission).

Conditions:
Neuropathy, hereditary motor and sensory, type 6B (HMSN6B). Also called: Neuropathy, hereditary motor and sensory, type VIB; HMSN VIB; CHARCOT-MARIE-TOOTH DISEASE, TYPE 6B; NEUROPATHY, HEREDITARY MOTOR AND SENSORY, TYPE VIB, WITH OPTIC ATROPHY. Identifiers: MedGen C4225302, MONDO:0014671, OMIM 616505.

Submission:

Labcorp Genetics (formerly Invitae), Labcorp
Classification: Pathogenic for Neuropathy, hereditary motor and sensory, type 6B. Last evaluated: 2019-06-22. Review status: criteria provided, single submitter. Criteria: Invitae Variant Classification Sherloc (09022015). Collection method: clinical testing. Allele origin: germline.
Comment: A gross deletion of the genomic region encompassing the full coding sequence of the SLC25A46 gene has been identified. The boundaries of this event are unknown as the deletion extends beyond the assayed region for this gene and therefore may encompass additional genes. This variant has not been reported in the literature in individuals with SLC25A46-related conditions. Loss-of-function variants in SLC25A46 are known to be pathogenic (PMID: 26168012, 26951855, 27543974). For these reasons, this variant has been classified as Pathogenic.

Literature cited by the submitters: PubMed 26168012; PubMed 26951855; PubMed 27543974.

NC_000005.9:g.(?_110074821)_110097482del

Gene: SLC25A46 (solute carrier family 25 member 46; plus strand).
Variant type: Deletion.
Identifiers: ClinVar variation 1071280 (VCV001071280.2).